The following is an entry in ClinVar:

NM_000455.5(STK11):c.130A>T (p.Lys44Ter)

Gene: STK11 (serine/threonine kinase 11; plus strand). Cytogenetic location: 19p13.3.
Variant type: single nucleotide variant.
Coding change: c.130A>T on transcript NM_000455.5 (MANE Select); coding-DNA position 130, A replaced by T.
Protein change: p.Lys44Ter; replaces lysine 44 with a stop codon.
Molecular consequence: nonsense. On other transcripts: non-coding transcript variant (1).
Genome position (GRCh38, 1-based): chr19:1,207,043, A>T. VCF-style: chr19-1207043-A-T. GRCh37 (hg19) VCF-style: chr19-1207042-A-T.
Other names: c.130A>T, p.Lys44Ter (NM_001407255.1); short protein forms K44*.
Identifiers: ClinVar variation 4710469 (VCV004710469.1).

ClinVar aggregate classification (germline): Pathogenic (1 of 4 stars; one submission).

Conditions:
Peutz-Jeghers syndrome (PJS). Also called: POLYPOSIS, HAMARTOMATOUS INTESTINAL; POLYPS-AND-SPOTS SYNDROME; Peutz-Jeghers polyposis; Periorificial lentiginosis syndrome. Identifiers: Orphanet 2869, MedGen C0031269, MeSH D010580, MONDO:0008280, OMIM 175200.

Submission:

Labcorp Genetics (formerly Invitae), Labcorp
Classification: Pathogenic for Peutz-Jeghers syndrome. Last evaluated: 2025-08-11. Review status: criteria provided, single submitter. Criteria: Invitae Variant Classification Sherloc (09022015). Collection method: clinical testing. Allele origin: germline.
Comment: This sequence change creates a premature translational stop signal (p.Lys44*) in the STK11 gene. It is expected to result in an absent or disrupted protein product. Loss-of-function variants in STK11 are known to be pathogenic (PMID: 15188174, 16287113). This variant is not present in population databases (gnomAD no frequency). This premature translational stop signal has been observed in individual(s) with clinical features of Peutz-Jeghers syndrome (PMID: 17124587). For these reasons, this variant has been classified as Pathogenic.

Literature cited by the submitters: PubMed 15188174; PubMed 16287113; PubMed 17124587.